The following is an entry in ClinVar:

ClinVar aggregate classification (germline): Uncertain significance (1 of 4 stars; one submission).

Conditions:
Hereditary cancer-predisposing syndrome. Also called: Neoplastic Syndromes, Hereditary; Tumor predisposition; Hereditary neoplastic syndrome; Hereditary Cancer Syndrome. Identifiers: Orphanet 140162, MedGen C0027672, MeSH D009386, MONDO:0015356.

Submission:

Ambry Genetics
Classification: Uncertain significance for Hereditary cancer-predisposing syndrome. Last evaluated: 2022-11-01. Review status: criteria provided, single submitter. Criteria: Ambry Variant Classification Scheme 2023. Collection method: clinical testing. Allele origin: germline.
Comment: The p.R848I variant (also known as c.2543G>T), located in coding exon 15 of the DICER1 gene, results from a G to T substitution at nucleotide position 2543. The arginine at codon 848 is replaced by isoleucine, an amino acid with similar properties. This amino acid position is highly conserved in available vertebrate species. In addition, this alteration is predicted to be deleterious by in silico analysis. Since supporting evidence is limited at this time, the clinical significance of this alteration remains unclear.

NM_177438.3(DICER1):c.2543G>T (p.Arg848Ile)

Gene: DICER1 (dicer 1, ribonuclease III; minus strand). Cytogenetic location: 14q32.13.
Variant type: single nucleotide variant.
Coding change: c.2543G>T on transcript NM_177438.3 (MANE Select); coding-DNA position 2543, G replaced by T.
Protein change: p.Arg848Ile; replaces arginine 848 with isoleucine.
Molecular consequence: missense variant. On other transcripts: non-coding transcript variant (6).
Genome position (GRCh38, 1-based): chr14:95,107,987, C>A on the plus strand (G>T on the coding strand, the complement: DICER1 is on the minus strand). VCF-style: chr14-95107987-C-A. GRCh37 (hg19) VCF-style: chr14-95574324-C-A.
Other names: c.2543G>T, p.Arg848Ile (NM_001195573.1, NM_001271282.3, NM_001291628.2 and 13 more transcripts); c.2261G>T, p.Arg754Ile (NM_001395686.1); c.2138G>T, p.Arg713Ile (NM_001395687.1, NM_001395688.1, NM_001395689.1 and 2 more transcripts); c.1976G>T, p.Arg659Ile (NM_001395691.1); c.860G>T, p.Arg287Ile (NM_001395697.1); short protein forms R713I, R754I, R848I, R287I, R659I.
Identifiers: ClinVar variation 2451684 (VCV002451684.2), dbSNP rs2140024836, ClinGen allele CA390881777.
Genomic context (GRCh38, chr14:95,107,987, plus strand): 5'-TTAAATTCTAGTGCAGGTTTTTCAAGCCGAAGAATATGTGAGAATATATACTGGTGAAGT[C>A]TTGTAATCAACTCAAGCATTTGTAGAGACAACATGAAACCAGACTTCTTCAACTCAATGG-3'
Protein context (NP_803187.1, residues 838-858): LSLQMLELIT[Arg848Ile]LHQYIFSHIL